The following is an entry in ClinVar:

ClinVar aggregate classification (germline): Uncertain significance (1 of 4 stars; one submission).

Conditions:
NCOA1-related disorder. Also called: NCOA1-related condition.

gnomAD v4.1: 62 of 1,613,860 alleles (0.0038%); highest among the groups gnomAD compares: Non-Finnish European, 0.0052%; no homozygotes.

Submission:

PreventionGenetics, part of Exact Sciences
Classification: Uncertain significance for NCOA1-related condition. Last evaluated: 2025-06-16. Review status: criteria provided, single submitter. Criteria: ACMG Guidelines, 2015. Collection method: clinical testing. Allele origin: germline.
Comment: The NCOA1 c.31C>T variant is predicted to result in the amino acid substitution p.Pro11Ser. To our knowledge, this variant has not been reported in the literature. At PreventionGenetics, this variant has been found in three individuals being tested for a genetic cause of obesity and in two individuals being tested for other reasons. This variant is reported in 0.0040% of alleles in individuals of African descent in gnomAD. At this time, the clinical significance of this variant is uncertain due to the absence of conclusive functional and genetic evidence.

NM_003743.5(NCOA1):c.31C>T (p.Pro11Ser)

Gene: NCOA1 (nuclear receptor coactivator 1; plus strand). Cytogenetic location: 2p23.3.
Variant type: single nucleotide variant.
Coding change: c.31C>T on transcript NM_003743.5 (MANE Select); coding-DNA position 31, C replaced by T.
Protein change: p.Pro11Ser; replaces proline 11 with serine.
Molecular consequence: missense variant.
Genome position (GRCh38, 1-based): chr2:24,658,708, C>T. VCF-style: chr2-24658708-C-T. GRCh37 (hg19) VCF-style: chr2-24881577-C-T.
Other names: c.31C>T, p.Pro11Ser (NM_001362950.1, NM_001362952.1, NM_001362954.1 and 3 more transcripts); short protein forms P11S.
Identifiers: ClinVar variation 3357173 (VCV003357173.2).
Genomic context (GRCh38, chr2:24,658,708, plus strand): 5'-CCTTCCTGTTTAGGTGTGAAGTTTTTCAACATGAGTGGCCTCGGGGACAGTTCATCCGAC[C>T]CTGCTAACCCAGACTCACATAAGAGGAAAGGATCGCCATGTGACACACTGGCATCAAGGT-3'
Protein context (NP_003734.3, residues 1-21): MSGLGDSSSD[Pro11Ser]ANPDSHKRKG